The following is an entry in ClinVar:

NM_015072.5(TTLL5):c.2522C>T (p.Pro841Leu)

Gene: TTLL5 (tubulin tyrosine ligase like 5; plus strand). Cytogenetic location: 14q24.3.
Variant type: single nucleotide variant.
Coding change: c.2522C>T on transcript NM_015072.5 (MANE Select); coding-DNA position 2522, C replaced by T.
Protein change: p.Pro841Leu; replaces proline 841 with leucine.
Molecular consequence: missense variant.
Genome position (GRCh38, 1-based): chr14:75,782,493, C>T. VCF-style: chr14-75782493-C-T. GRCh37 (hg19) VCF-style: chr14-76248836-C-T.
Other names: short protein forms P841L.
Identifiers: ClinVar variation 1480900 (VCV001480900.6), dbSNP rs2140330245, ClinGen allele CA390470615.

ClinVar aggregate classification (germline): Uncertain significance (1 of 4 stars; one submission).

gnomAD v4.1: 1 of 1,613,156 alleles (0.000062%); highest among the groups gnomAD compares: Admixed American, 0.0017%; no homozygotes.

Submission:

Labcorp Genetics (formerly Invitae), Labcorp
Classification: Uncertain significance. Last evaluated: 2022-06-12. Review status: criteria provided, single submitter. Criteria: Invitae Variant Classification Sherloc (09022015). Collection method: clinical testing. Allele origin: germline.
Comment: In summary, the available evidence is currently insufficient to determine the role of this variant in disease. Therefore, it has been classified as a Variant of Uncertain Significance. Algorithms developed to predict the effect of missense changes on protein structure and function are either unavailable or do not agree on the potential impact of this missense change (SIFT: "Deleterious"; PolyPhen-2: "Possibly Damaging"; Align-GVGD: "Class C0"). This variant has not been reported in the literature in individuals affected with TTLL5-related conditions. This variant is not present in population databases (gnomAD no frequency). This sequence change replaces proline, which is neutral and non-polar, with leucine, which is neutral and non-polar, at codon 841 of the TTLL5 protein (p.Pro841Leu).